The following is an entry in ClinVar:

ClinVar aggregate classification (germline): Likely benign (1 of 4 stars; one submission).

Allele frequency attached by ClinVar (database versions not stated): gnomAD exomes 0.00008; ExAC 0.00027; 1000 Genomes Project 0.00060; gnomAD 0.00074; ESP Exome Variant Server 0.00077; TOPMed 0.00091.
gnomAD v4.1: 234 of 1,614,246 alleles (0.014%); highest among the groups gnomAD compares: African/African-American, 0.27%; no homozygotes.

Submission:

CeGaT Center for Human Genetics Tuebingen
Classification: Likely benign. Last evaluated: 2023-02-01. Review status: criteria provided, single submitter. Criteria: CeGaT Center For Human Genetics Tuebingen Variant Classification Criteria Version 2. Collection method: clinical testing. Allele origin: germline. Affected: yes. Observed: 1 variant allele.
Comment: SPTBN1: BP4, BS1

NM_003128.3(SPTBN1):c.3354C>T (p.Tyr1118=)

Gene: SPTBN1 (spectrin beta, non-erythrocytic 1; plus strand). Cytogenetic location: 2p16.2.
Variant type: single nucleotide variant.
Coding change: c.3354C>T on transcript NM_003128.3 (MANE Select); coding-DNA position 3354, C replaced by T.
Protein change: p.Tyr1118=; no amino-acid change (tyrosine 1118 retained).
Molecular consequence: synonymous variant.
Genome position (GRCh38, 1-based): chr2:54,631,401, C>T. VCF-style: chr2-54631401-C-T. GRCh37 (hg19) VCF-style: chr2-54858538-C-T.
Other names: c.3315C>T, p.Tyr1105= (NM_178313.3).
Identifiers: ClinVar variation 2650926 (VCV002650926.24), dbSNP rs2229502, ClinGen allele CA1660794.
Genomic context (GRCh38, chr2:54,631,401, plus strand): 5'-GAAGCTGCTCACGCAGCACGAGAACATCAAGAACGAGATCGACAACTACGAGGAGGACTA[C>T]CAGAAGATGAGGGACATGGGCGAGATGGTCACCCAGGGGCAGACCGATGCCCAGTACATG-3'
Protein context (NP_003119.2, residues 1108-1128): KNEIDNYEED[Tyr1118=]QKMRDMGEMV